The following is an entry in ClinVar:

ClinVar aggregate classification (germline): Pathogenic/Likely pathogenic. Review status: criteria provided, multiple submitters, no conflicts (2 of 4 stars). 6 submissions from 6 submitters: Pathogenic (4); Likely pathogenic (2). Last evaluated 2025-11-06.

Conditions:
Wilson disease (WND). Also called: Wilson's disease. Identifiers: Orphanet 905, MedGen C0019202, MONDO:0010200, OMIM 277900. Disease mechanism: loss of function.

gnomAD v4.1: 2 of 1,614,140 alleles (0.00012%); highest among the groups gnomAD compares: Non-Finnish European, 0.00017%; no homozygotes.

Submissions (6):

Labcorp Genetics (formerly Invitae), Labcorp
Classification: Pathogenic for Wilson disease. Last evaluated: 2025-11-06. Review status: criteria provided, single submitter. Criteria: Invitae Variant Classification Sherloc (09022015). Collection method: clinical testing. Allele origin: germline.
Comment: This sequence change replaces glutamine, which is neutral and polar, with proline, which is neutral and non-polar, at codon 1095 of the ATP7B protein (p.Gln1095Pro). This variant is not present in population databases (gnomAD no frequency). This missense change has been observed in individual(s) with Wilson disease (PMID: 10502777, 16283883, 21219664; internal data). In at least one individual the data is consistent with being in trans (on the opposite chromosome) from a pathogenic variant. It has also been observed to segregate with disease in related individuals. ClinVar contains an entry for this variant (Variation ID: 456556). Invitae Evidence Modeling of protein sequence and biophysical properties (such as structural, functional, and spatial information, amino acid conservation, physicochemical variation, residue mobility, and thermodynamic stability) has been performed for this missense variant. However, the output from this modeling did not meet the statistical confidence thresholds required to predict the impact of this variant on ATP7B protein function. For these reasons, this variant has been classified as Pathogenic.

Natera, Inc.
Classification: Pathogenic for Wilson disease. Last evaluated: 2025-08-06. Review status: criteria provided, single submitter. Criteria: Natera Variant Classification Schema (03/2026). Collection method: clinical testing. Allele origin: germline.
Comment: The c.3284A>C variant in ATP7B is a missense variant predicted to cause substitution of glutamine to proline at amino acid 1095. This variant is rare in the general population with a frequency below the threshold expected for the associated phenotype(s). This variant has been observed in one or more individuals affected with the associated recessive disease, as either homozygous or compound heterozygous with a second variant (PMID: 23518715, 30230192). Computational prediction algorithms indicate this variant is likely to affect gene or protein function. Given the available evidence, this variant is classified as Pathogenic.

Fulgent Genetics
Classification: Likely pathogenic for Wilson disease. Last evaluated: 2024-02-22. Review status: criteria provided, single submitter. Criteria: ACMG Guidelines, 2015. Collection method: clinical testing. Allele origin: germline.

Mayo Clinic Laboratories, Mayo Clinic
Classification: Pathogenic. Last evaluated: 2024-01-30. Review status: criteria provided, single submitter. Criteria: ACMG Guidelines, 2015. Collection method: clinical testing. Allele origin: germline.
Comment: PP3, PP4, PM2_moderate, PM3_strong, PS4_moderate

Genome-Nilou Lab
Classification: Likely pathogenic for Wilson disease. Last evaluated: 2021-08-10. Review status: criteria provided, single submitter. Criteria: ACMG Guidelines, 2015. Collection method: clinical testing. Allele origin: germline. Affected: no.

Laboratory for Molecular Medicine, Mass General Brigham Personalized Medicine
Classification: Pathogenic for Wilson disease. Last evaluated: 2020-06-11. Review status: criteria provided, single submitter. Criteria: ACMG Guidelines, 2015. Collection method: clinical testing. Allele origin: germline.
Comment: The p.Gln1095Pro variant in ATP7B has been reported in several individuals with Wilson disease, including 5 patients who were compound heterozygous for a second pathogenic ATP7B variant, and was reported to segregate in 2 affected sibling (Curtis 1999, Gromadzka 2005, Guggilla 2015, Kluska 2019, Li 2011, personal communication ClinVar variation ID 456556). In addition, the variant was absent from large population studies. Computational prediction tools and conservation analysis suggest that this variant may impact the protein. In summary, this variant meets criteria to be classified as pathogenic for autosomal recessive Wilson disease. ACMG/AMP criteria applied: PM3_Strong, PM2, PP1_Moderate, PP3, PP4.

Literature cited by the submitters: PubMed 10502777 (cited by 3 submitters); PubMed 16283883 (cited by 3 submitters); PubMed 21219664 (cited by 3 submitters); PubMed 23518715 (cited by Natera, Inc.); PubMed 30230192 (cited by 3 submitters); PubMed 22692182 (cited by Mayo Clinic Laboratories, Mayo Clinic); PubMed 36096368 (cited by Mayo Clinic Laboratories, Mayo Clinic); PubMed 19346156 (cited by Laboratory for Molecular Medicine, Mass General Brigham Personalized Medicine); PubMed 25982861 (cited by Laboratory for Molecular Medicine, Mass General Brigham Personalized Medicine).

NM_000053.4(ATP7B):c.3284A>C (p.Gln1095Pro)

Gene: ATP7B (ATPase copper transporting beta; minus strand). Cytogenetic location: 13q14.3.
Variant type: single nucleotide variant.
Coding change: c.3284A>C on transcript NM_000053.4 (MANE Select); coding-DNA position 3284, A replaced by C.
Protein change: p.Gln1095Pro; replaces glutamine 1095 with proline.
Molecular consequence: missense variant.
Genome position (GRCh38, 1-based): chr13:51,942,514, T>G on the plus strand (A>C on the coding strand, the complement: ATP7B is on the minus strand). VCF-style: chr13-51942514-T-G. GRCh37 (hg19) VCF-style: chr13-52516650-T-G.
Other names: p.Gln1095Pro; c.2663A>C, p.Gln888Pro (NM_001005918.3); c.2951A>C, p.Gln984Pro (NM_001243182.2); c.3050A>C, p.Gln1017Pro (NM_001330578.2); c.3032A>C, p.Gln1011Pro (NM_001330579.2); short protein forms Q1095P, Q888P, Q1011P, Q984P, Q1017P.
Identifiers: ClinVar variation 456556 (VCV000456556.17), dbSNP rs1555285891, ClinGen allele CA388028728.
Genomic context (GRCh38, chr13:51,942,514, plus strand): 5'-TGGGCCAGGATGCCTTCCACGTTGCTGACTTTGCACCCAATTCCACAGCCTGGCACTGCC[T>G]GGAAGTCCGTGCAGTATCCCAAGGTCTCTGTTCCAAGTTCCTGGGAAGGTGGAAAGAGAG-3'
Protein context (NP_000044.2, residues 1085-1105): TETLGYCTDF[Gln1095Pro]AVPGCGIGCK